The following is an entry in ClinVar:

ClinVar aggregate classification (germline): Uncertain significance. Review status: criteria provided, multiple submitters, no conflicts (2 of 4 stars). 3 submissions from 3 submitters: Uncertain significance (2). 1 of the submissions does not count toward it. Last evaluated 2019-08-14.

Conditions:
Usher syndrome type 1 (USH1). Also called: RETINITIS PIGMENTOSA AND CONGENITAL DEAFNESS. Identifiers: Orphanet 231169, Orphanet 886, MedGen C1568247, MONDO:0010168, OMIM 276900.

Allele frequency attached by ClinVar (database versions not stated): gnomAD 0.00001; TOPMed 0.00002; ExAC 0.00003.
gnomAD v4.1: 22 of 1,590,860 alleles (0.0014%); highest among the groups gnomAD compares: East Asian, 0.027%; no homozygotes.

Submissions (3):

Laboratory for Molecular Medicine, Mass General Brigham Personalized Medicine
Classification: Uncertain significance. Last evaluated: 2019-08-14. Review status: criteria provided, single submitter. Criteria: ACMG Guidelines, 2015. Collection method: clinical testing. Allele origin: germline.
Comment: The p.Val3343Met variant in CDH23 has been reported in 2 individuals with hearing loss who did not carry a second variant in the CDH23 gene (Mizutari 2015, LMM unpublished data). It has also been identified in 0.02% (4/17756) of East Asian chromosomes by gnomAD. Computational prediction tools and conservation analysis do not provide strong support for or against an impact to the protein. In summary, the clinical significance of the p.Val3343Met variant is uncertain. ACMG/AMP Criteria applied: PM2_Supporting.

Blueprint Genetics
Classification: Uncertain significance. Last evaluated: 2017-09-12. Review status: criteria provided, single submitter. Criteria: ACMG Guidelines, 2015. Collection method: clinical testing. Allele origin: germline.

Natera, Inc.
Classification: Uncertain significance for Usher syndrome type 1. Last evaluated: 2020-09-16. Review status: no assertion criteria provided. Collection method: clinical testing. Allele origin: germline. Not counted in ClinVar's aggregate classification.

Literature cited by the submitters: PubMed 25963016 (cited by Laboratory for Molecular Medicine, Mass General Brigham Personalized Medicine).

NM_022124.6(CDH23):c.10027G>A (p.Val3343Met)

Gene: CDH23 (cadherin related 23; plus strand). Cytogenetic location: 10q22.1.
Variant type: single nucleotide variant.
Coding change: c.10027G>A on transcript NM_022124.6 (MANE Select); coding-DNA position 10027, G replaced by A.
Protein change: p.Val3343Met; replaces valine 3343 with methionine.
Molecular consequence: missense variant.
Genome position (GRCh38, 1-based): chr10:71,815,240, G>A. VCF-style: chr10-71815240-G-A. GRCh37 (hg19) VCF-style: chr10-73574997-G-A.
Other names: c.3307G>A, p.Val1103Met (NM_001171933.1); c.3202G>A, p.Val1068Met (NM_001171934.1); c.718G>A, p.Val240Met (NM_001171935.1); c.613G>A, p.Val205Met (NM_001171936.1); short protein forms V3343M, V1068M, V240M, V205M, V1103M.
Identifiers: ClinVar variation 505878 (VCV000505878.7), dbSNP rs756425157, ClinGen allele CA5547249.